The following is an entry in ClinVar:

NM_001278431.2(C1QTNF5):c.354G>A (p.Pro118=)

Genes: C1QTNF5 (C1q and TNF related 5; minus strand), MFRP (membrane frizzled-related protein; minus strand). Cytogenetic location: 11q23.3.
Variant type: single nucleotide variant.
Coding change: c.354G>A on transcript NM_001278431.2 (MANE Select); coding-DNA position 354, G replaced by A.
Protein change: p.Pro118=; no amino-acid change (proline 118 retained).
Molecular consequence: synonymous variant. On other transcripts: 3 prime UTR variant (1).
Genome position (GRCh38, 1-based): chr11:119,339,709, C>T on the plus strand (G>A on the coding strand, the complement: C1QTNF5 is on the minus strand). VCF-style: chr11-119339709-C-T. GRCh37 (hg19) VCF-style: chr11-119210419-C-T.
Other names: c.354G>A, p.Pro118= (NM_015645.5); c.*1250G>A (NM_031433.4).
Identifiers: ClinVar variation 878728 (VCV000878728.14), dbSNP rs779390261, ClinGen allele CA6319954.

ClinVar aggregate classification (germline): Conflicting classifications of pathogenicity. Review status: criteria provided, conflicting classifications (1 of 4 stars). 5 submissions from 4 submitters: Uncertain significance (2); Likely benign (2). 1 of the submissions does not count toward it. Last evaluated 2025-04-28.

Conditions:
C1QTNF5-related disorder. Also called: C1QTNF5-related condition.
Late-onset retinal degeneration (LORD). Also called: RETINAL DEGENERATION, LATE-ONSET, AUTOSOMAL DOMINANT. Identifiers: Orphanet 67042, MedGen C1854065, MONDO:0011579, OMIM 605670. Disease mechanism: loss of function.
Isolated microphthalmia 5. Also called: Posterior Microphthalmia with Retinitis Pigmentosa, Foveoschisis, and Optic Disc Drusen. Identifiers: Orphanet 251279, MedGen C1970236, MONDO:0012605, OMIM 611040.

Allele frequency attached by ClinVar (database versions not stated): TOPMed 0.00005.
gnomAD v4.1: 50 of 1,604,260 alleles (0.0031%); highest among the groups gnomAD compares: Non-Finnish European, 0.0038%; 1 homozygote.

Submissions (5):

Labcorp Genetics (formerly Invitae), Labcorp
Classification: Likely benign. Last evaluated: 2025-04-28. Review status: criteria provided, single submitter. Criteria: Invitae Variant Classification Sherloc (09022015). Collection method: clinical testing. Allele origin: germline.

Blueprint Genetics
Classification: Likely benign. Last evaluated: 2024-11-08. Review status: criteria provided, single submitter. Criteria: ACMG Guidelines, 2015. Collection method: clinical testing. Allele origin: germline.

Illumina Laboratory Services, Illumina
Classification: Uncertain significance for Isolated microphthalmia 5. Last evaluated: 2018-01-13. Review status: criteria provided, single submitter. Criteria: ICSL Variant Classification Criteria 13 December 2019. Collection method: clinical testing. Allele origin: germline.

Illumina Laboratory Services, Illumina
Classification: Uncertain significance for Late-onset retinal degeneration. Last evaluated: 2018-01-12. Review status: criteria provided, single submitter. Criteria: ICSL Variant Classification Criteria 13 December 2019. Collection method: clinical testing. Allele origin: germline.

PreventionGenetics, part of Exact Sciences
Classification: Likely benign for C1QTNF5-related condition. Last evaluated: 2019-09-20. Review status: no assertion criteria provided. Collection method: clinical testing. Allele origin: germline. Not counted in ClinVar's aggregate classification.
Comment: This variant is classified as likely benign based on ACMG/AMP sequence variant interpretation guidelines (Richards et al. 2015 PMID: 25741868, with internal and published modifications).